The following is an entry in ClinVar:

NM_006514.4(SCN10A):c.472T>G (p.Tyr158Asp)

Gene: SCN10A (sodium voltage-gated channel alpha subunit 10; minus strand). Cytogenetic location: 3p22.2.
Variant type: single nucleotide variant.
Coding change: c.472T>G on transcript NM_006514.4 (MANE Select); coding-DNA position 472, T replaced by G.
Protein change: p.Tyr158Asp; replaces tyrosine 158 with aspartic acid.
Molecular consequence: missense variant.
Genome position (GRCh38, 1-based): chr3:38,771,406, A>C on the plus strand (T>G on the coding strand, the complement: SCN10A is on the minus strand). VCF-style: chr3-38771406-A-C. GRCh37 (hg19) VCF-style: chr3-38812897-A-C.
Other names: c.472T>G, p.Tyr158Asp (NM_001293306.2, NM_001293307.2); short protein forms Y158D.
Identifiers: ClinVar variation 463260 (VCV000463260.76), dbSNP rs202192818, ClinGen allele CA2321184.

ClinVar aggregate classification (germline): Conflicting classifications of pathogenicity. Review status: criteria provided, conflicting classifications (1 of 4 stars). 13 submissions from 13 submitters: Likely pathogenic (1); Uncertain significance (10); Likely benign (2). Last evaluated 2026-06-09.

Conditions:
SCN10A-related disorder. Also called: SCN10A-related condition.
Episodic pain syndrome, familial, 2 (FEPS2). Identifiers: Orphanet 306577, MedGen C3809893, MONDO:0014246, OMIM 615551.
Brugada syndrome 1 (BRGDA1). Also called: RIGHT BUNDLE BRANCH BLOCK, ST SEGMENT ELEVATION, AND SUDDEN DEATH SYNDROME. Identifiers: Orphanet 130, MedGen C4551804, MONDO:0011001, OMIM 601144.
Cardiovascular phenotype. Identifiers: MedGen CN230736.
Brugada syndrome. Also called: Sudden unexpected nocturnal death syndrome; Sudden unexplained nocturnal death syndrome; Sudden Unexplained Death Syndrome; Sudden Unexplained Nocturnal Death Syndrome (SUNDS). Identifiers: Orphanet 130, MedGen C1142166, MONDO:0015263.

Allele frequency attached by ClinVar (database versions not stated): TOPMed 0.00022; gnomAD exomes 0.00023 and 0.00041; ExAC 0.00026; gnomAD 0.00028 and 0.00033; ESP Exome Variant Server 0.00038.
gnomAD v4.1: 642 of 1,613,694 alleles (0.04%); highest among the groups gnomAD compares: Non-Finnish European, 0.049%; 1 homozygote.

Submissions (13):

PreventionGenetics, part of Exact Sciences
Classification: Uncertain significance for SCN10A-related condition. Last evaluated: 2026-06-09. Review status: criteria provided, single submitter. Criteria: ACMG Guidelines, 2015. Collection method: clinical testing. Allele origin: germline.
Comment: The SCN10A c.472T>G variant is predicted to result in the amino acid substitution p.Tyr158Asp. This variant has been reported in cis with the p.Arg814His variant in two individuals with atrial fibrillation (AF; Savio-Galimberti et al. 2014. PubMed ID: 25053638) and one individual with arrhythmogenic right ventricular dysplasia/cardiomyopathy (ARVD/C) who was also heterozygous for a deletion in PKP2 (Te Riele et al. 2016. PubMed ID: 26733327). This variant has also been reported with p.Arg814His of unknown phase in another individual with AF (Jabbari et al. 2015. PubMed ID: 25691686) and two individuals with painless diabetic peripheral neuropathy (Almomani et al. 2023. PubMed ID: 37175987). In vitro experimental studies demonstrated that this variant led to a ~2-fold increase in peak sodium channel current when expressed in isolation and a ~2.5-fold increase when co-expressed in cis with p.Arg814His (Savio-Galimberti et al. 2014. PubMed ID: 25053638). This variant is reported in 0.043% of alleles in individuals of European (Non-Finnish) descent in gnomAD, often, but not always, co-occurring with p.Arg814His. At this time, the clinical significance of the p.Tyr158Asp variant, both in isolation and as a haplotype with p.Arg814His, is uncertain due to the absence of conclusive functional and genetic evidence.

Labcorp Genetics (formerly Invitae), Labcorp
Classification: Uncertain significance for Brugada syndrome. Last evaluated: 2025-12-02. Review status: criteria provided, single submitter. Criteria: Invitae Variant Classification Sherloc (09022015). Collection method: clinical testing. Allele origin: germline.
Comment: This sequence change replaces tyrosine, which is neutral and polar, with aspartic acid, which is acidic and polar, at codon 158 of the SCN10A protein (p.Tyr158Asp). This variant is present in population databases (rs202192818, gnomAD 0.04%). This missense change has been observed in individual(s) with arrhythmogenic right ventricular dysplasia/cardiomyopathy and/or atrial fibrillation (PMID: 25053638, 25691686, 26733327). ClinVar contains an entry for this variant (Variation ID: 463260). An algorithm developed to predict the effect of missense changes on protein structure and function (PolyPhen-2) suggests that this variant is likely to be disruptive. Experimental studies have shown that this missense change affects SCN10A function (PMID: 25053638). In summary, the available evidence is currently insufficient to determine the role of this variant in disease. Therefore, it has been classified as a Variant of Uncertain Significance.

Women's Health and Genetics/Laboratory Corporation of America, LabCorp
Classification: Uncertain significance. Last evaluated: 2025-06-19. Review status: criteria provided, single submitter. Criteria: LabCorp Variant Classification Summary - May 2015. Collection method: clinical testing. Allele origin: germline.
Comment: Variant summary: SCN10A c.472T>G (p.Tyr158Asp) results in a non-conservative amino acid change in the encoded protein sequence. Algorithms developed to predict the effect of missense changes on protein structure and function all suggest that this variant is likely to be disruptive. In addition, the variant affects the second nucleotide of exon 5, therefore might also impact splicing. Several computational tools predict a significant impact on normal splicing: Three predict the variant no significant impact on splicing. One predict the variant weakens a 3' acceptor site. Two predict the variant creates a 3' acceptor site. However, these predictions have yet to be confirmed by functional studies. The variant allele was found at a frequency of 0.0004 in 1606700 control chromosomes, predominantly at a frequency of 0.00049 within the Non-Finnish European subpopulation in the gnomAD database, including 1 homozygote. This frequency is not higher than the estimated maximum for a pathogenic variant in SCN10A, allowing no conclusion about variant significance. Of note, this variant is typically reported in the literature as a complex (i.e. on the same allele) as c.2441G>A (p.Arg814His), and variant co-occurrence analysis in gnomAD indicates that these two missense variants are on the same haplotype in most individuals. The two missense variants c.472T>G (p.Tyr158Asp) and c.2441G>A (p.Arg814His) has been observed together in individuals affected with SCN10A-Related Disorders, including arrhythmia and neuropathy, however no segregation evidence was provided to support causality (e.g. Savio-Galimberti_2014, Jabbari_2015, TeRiele_2016, Almomani_2023). At least one publication reported experimental evidence evaluating an impact on protein function, and demonstrated that both missense variants in isolation and together as a complex, affected sodium channel function, resulting in increased currents, and the two missense seemed to result in an additive effect when expressed together (Savio-Galimberti_2014), however, these results do not allow convincing conclusions about the variant effect. The following publications have been ascertained in the context of this evaluation (PMID: 25053638, 25691686, 26733327, 37175987). ClinVar contains an entry for this variant (Variation ID: 463260). Based on the evidence outlined above, the variant was classified as uncertain significance.

GeneDx
Classification: Uncertain significance. Last evaluated: 2025-02-19. Review status: criteria provided, single submitter. Criteria: GeneDx Variant Classification Process June 2021. Collection method: clinical testing. Allele origin: germline. Affected: yes.
Comment: Reported in individuals with atrial fibrillation, arrhythmogenic right ventricular cardiomyopathy (ARVC), AV nodal reentrant tachycardia, sudden cardiac arrest, or diabetic peripheral neuropathy (DPN) many of whom also harbored the p.(R814H) variant in the SCN10A gene in either cis or unknown configuration (PMID: 25053638, 25691686, 26733327, 28407228, 29396561); Published functional studies demonstrated that p.(Y158D) generates a peak sodium current approximately two times larger than wild-type SCN10A channels, and when co-expressed with p.(R814H), the magnitude of the peak current was close to the sum of the average value of the peak currents of each variant expressed individually, such that both variants are reported to contribute to the electrical property of the channel; however, additional studies are needed to validate the functional effect of this variant in vivo (PMID: 25053638); In silico analysis supports that this missense variant has a deleterious effect on protein structure/function; In silico analysis is inconclusive as to whether the variant alters gene splicing. In the absence of RNA/functional studies, the actual effect of this sequence change is unknown.; This variant is associated with the following publications: (PMID: 25053638, 26733327, 28407228, 29396561, 34426522, 37194601, 37175987, 25691686)

Institute of Immunology and Genetics Kaiserslautern
Classification: Likely pathogenic for Brugada syndrome 1. Last evaluated: 2024-11-20. Review status: criteria provided, single submitter. Criteria: ACMG Guidelines, 2015. Collection method: clinical testing. Allele origin: germline. Affected: yes.
Comment: ACMG Criteria: PS3, PP3, PP5; Variant was found in heterozygous state

Blueprint Genetics
Classification: Likely benign. Last evaluated: 2024-06-27. Review status: criteria provided, single submitter. Criteria: ACMG Guidelines, 2015. Collection method: clinical testing. Allele origin: germline.

CeGaT Center for Human Genetics Tuebingen
Classification: Uncertain significance. Last evaluated: 2023-04-01. Review status: criteria provided, single submitter. Criteria: CeGaT Center For Human Genetics Tuebingen Variant Classification Criteria Version 2. Collection method: clinical testing. Allele origin: germline. Affected: yes. Observed: 5 variant alleles.

MGZ Medical Genetics Center
Classification: Uncertain significance for Brugada syndrome 1. Last evaluated: 2021-10-14. Review status: criteria provided, single submitter. Criteria: ACMG Guidelines, 2015. Collection method: clinical testing. Allele origin: germline. Affected: yes. Observed: 2 variant alleles.
Comment: ACMG criteria applied: PP3

Fulgent Genetics
Classification: Uncertain significance for Episodic pain syndrome, familial, 2. Last evaluated: 2021-08-02. Review status: criteria provided, single submitter. Criteria: ACMG Guidelines, 2015. Collection method: clinical testing. Allele origin: unknown.

Department of Pathology and Laboratory Medicine, Sinai Health System
Classification: Uncertain significance for Episodic pain syndrome, familial, 2. Last evaluated: 2021-07-30. Review status: criteria provided, single submitter. Criteria: ACMG Guidelines, 2015. Collection method: research. Allele origin: germline.

Mayo Clinic Laboratories, Mayo Clinic
Classification: Uncertain significance. Last evaluated: 2019-11-24. Review status: criteria provided, single submitter. Criteria: ACMG Guidelines, 2015. Collection method: clinical testing. Allele origin: germline. Observed: 1 variant allele.

Ambry Genetics
Classification: Likely benign for Cardiovascular phenotype. Last evaluated: 2019-10-31. Review status: criteria provided, single submitter. Criteria: Ambry Variant Classification Scheme 2023. Collection method: clinical testing. Allele origin: germline.

ARUP Laboratories, Molecular Genetics and Genomics, ARUP Laboratories
Classification: Uncertain significance for Episodic pain syndrome, familial, 2. Last evaluated: 2018-07-13. Review status: criteria provided, single submitter. Criteria: ARUP Molecular Germline Variant Investigation Process. Collection method: clinical testing. Allele origin: germline.
Comment: The p.Tyr158Asp has been reported on the same chromosome together with p. Arg814His, constituting a complex variant p.[Tyr158Asp, Arg814His] in several adult individuals with atrial fibrillation/polarization abnormality (Savio-Galimberti 2014, Jabbari 2015, Te Riele 2016). The Tyr158Asp and Arg814His variants were also identified in the study of patients with AV nodal reentrant tachycardia (Andreasen 2018). Savio-Galimberti et al. (2014) reported two families with possible variable penetrance and also showed that that these variants were associated with 2- and 4-fold increase in peak currents in a transient transfection and expression experiments in ND7/23 cells. Both Tyr158Asp and Arg814His variants are listed in gnomAD at population frequencies 0.04 and 0.05%, higher than expected for a pathogenic variant (Kobayashi 2017). Both variants are listed in ClinVar with current classification of uncertain significance (Variant ID 463260 and 420025). Thus, based on the available evidence, the complex variant p.[Tyr158Asp, Arg814His] was classified as of uncertain significance.

Literature cited by the submitters: PubMed 25053638 (cited by 3 submitters); PubMed 25691686 (cited by Labcorp Genetics (formerly Invitae), Labcorp and Women's Health and Genetics/Laboratory Corporation of America, LabCorp); PubMed 26733327 (cited by 3 submitters); PubMed 37175987 (cited by Women's Health and Genetics/Laboratory Corporation of America, LabCorp).